The following is an entry in ClinVar:

NM_014629.4(ARHGEF10):c.3403C>G (p.Gln1135Glu)

Gene: ARHGEF10 (Rho guanine nucleotide exchange factor 10; plus strand). Cytogenetic location: 8p23.3.
Variant type: single nucleotide variant.
Coding change: c.3403C>G on transcript NM_014629.4 (MANE Select); coding-DNA position 3403, C replaced by G.
Protein change: p.Gln1135Glu; replaces glutamine 1135 with glutamic acid.
Molecular consequence: missense variant.
Genome position (GRCh38, 1-based): chr8:1,952,710, C>G. VCF-style: chr8-1952710-C-G. GRCh37 (hg19) VCF-style: chr8-1900876-C-G.
Other names: c.3289C>G, p.Gln1097Glu (NM_001308152.2); c.3403C>G, p.Gln1135Glu (NM_001308153.3); short protein forms Q1135E, Q1159E, Q1097E.
Identifiers: ClinVar variation 432506 (VCV000432506.2), dbSNP rs1247541532, ClinGen allele CA369957305.

ClinVar aggregate classification (germline): Uncertain significance (1 of 4 stars; one submission).

Allele frequency attached by ClinVar (database versions not stated): TOPMed 0.00001.
gnomAD v4.1: 1 of 1,612,914 alleles (0.000062%); highest among the groups gnomAD compares: Non-Finnish European, 0.000085%; no homozygotes.

Submission:

GeneDx
Classification: Uncertain significance. Last evaluated: 2017-06-01. Review status: criteria provided, single submitter. Criteria: GeneDx Variant Classification (06012015). Collection method: clinical testing. Allele origin: germline. Affected: yes.
Comment: The Q1135E variant in the ARHGEF10 gene has not been reported previously as a pathogenic variant, nor as a benign variant, to our knowledge. The Q1135E variant is not observed in large population cohorts (Lek et al., 2016; 1000 Genomes Consortium et al., 2015; Exome Variant Server). The Q1135E variant is a semi-conservative amino acid substitution, which may impact secondary protein structure as these residues differ in some properties. This substitution occurs at a position that is conserved in mammals. In silico analysis is inconsistent in its predictions as to whether or not the variant is damaging to the protein structure/function. We interpret Q1135E as a variant of uncertain significance